The following is an entry in ClinVar:

NM_001369369.1(FOXN1):c.1184del (p.Pro395fs)

Gene: FOXN1 (forkhead box N1; plus strand). Cytogenetic location: 17q11.2.
Variant type: Deletion.
Coding change: c.1184del on transcript NM_001369369.1 (MANE Select); coding-DNA position 1184, one base deleted (C; older notation c.1184delC).
Protein change: p.Pro395fs; shifts the reading frame from proline 395.
Molecular consequence: frameshift variant.
Genome position (GRCh38, 1-based): chr17:28,534,755, C deleted; the last of 4 consecutive C bases (chr17:28,534,752-28,534,755); deleting any one gives the same sequence. VCF-style (leftmost placement, unchanged base first): chr17-28534751-TC-T. GRCh37 (hg19) VCF-style: chr17-26861769-TC-T.
Other names: c.1184del, p.Pro395fs (NM_003593.3); short protein forms P395fs.
Identifiers: ClinVar variation 3729790 (VCV003729790.2).

ClinVar aggregate classification (germline): Pathogenic. Review status: criteria provided, multiple submitters, no conflicts (2 of 4 stars). 2 submissions from 2 submitters: Pathogenic (2). Last evaluated 2025-03-10.

Conditions:
T-cell immunodeficiency, congenital alopecia, and nail dystrophy. Also called: Congenital alopecia and nail dystrophy associated with severe functional T-cell immunodeficiency; Pignata Guarino syndrome. Identifiers: Orphanet 169095, MedGen C1866426, MONDO:0011132, OMIM 601705.
T-cell lymphopenia, infantile, with or without nail dystrophy, autosomal dominant. Identifiers: Orphanet 676039, MedGen C5394133, MONDO:0032928, OMIM 618806.

Submissions (2):

Labcorp Genetics (formerly Invitae), Labcorp
Classification: Pathogenic for T-cell immunodeficiency, congenital alopecia, and nail dystrophy. Last evaluated: 2025-03-10. Review status: criteria provided, single submitter. Criteria: Invitae Variant Classification Sherloc (09022015). Collection method: clinical testing. Allele origin: germline.
Comment: This sequence change creates a premature translational stop signal (p.Pro395Hisfs*155) in the FOXN1 gene. While this is not anticipated to result in nonsense mediated decay, it is expected to disrupt the last 254 amino acid(s) of the FOXN1 protein. This variant is not present in population databases (gnomAD no frequency). This variant has not been reported in the literature in individuals affected with FOXN1-related conditions. This variant disrupts a region of the FOXN1 protein in which other variant(s) (p.Gln489Argfs*61) have been determined to be pathogenic (PMID: 31566583). This suggests that this is a clinically significant region of the protein, and that variants that disrupt it are likely to be disease-causing. For these reasons, this variant has been classified as Pathogenic.

Clinical Immunology, Karolinska University Hospital
Classification: Pathogenic for T-cell lymphopenia, infantile, with or without nail dystrophy, autosomal dominant. Last evaluated: 2023-09-05. Review status: criteria provided, single submitter. Criteria: ACMG Guidelines, 2015. Collection method: clinical testing. Allele origin: germline. Inheritance: Autosomal dominant inheritance. Affected: yes.

Literature cited by the submitters: PubMed 31566583 (cited by Labcorp Genetics (formerly Invitae), Labcorp).